The following is an entry in ClinVar:

ClinVar aggregate classification (germline): Uncertain significance (1 of 4 stars; one submission).

Allele frequency attached by ClinVar (database versions not stated): gnomAD 0.00001.
gnomAD v4.1: 3 of 1,589,760 alleles (0.00019%); highest among the groups gnomAD compares: Admixed American, 0.0036%; no homozygotes.

Submission:

Labcorp Genetics (formerly Invitae), Labcorp
Classification: Uncertain significance. Last evaluated: 2022-07-25. Review status: criteria provided, single submitter. Criteria: Invitae Variant Classification Sherloc (09022015). Collection method: clinical testing. Allele origin: germline.
Comment: This sequence change replaces arginine, which is basic and polar, with threonine, which is neutral and polar, at codon 4290 of the PCLO protein (p.Arg4290Thr). This variant is not present in population databases (gnomAD no frequency). This variant has not been reported in the literature in individuals affected with PCLO-related conditions. ClinVar contains an entry for this variant (Variation ID: 1515097). Algorithms developed to predict the effect of missense changes on protein structure and function are either unavailable or do not agree on the potential impact of this missense change (SIFT: "Deleterious"; PolyPhen-2: "Not Available"; Align-GVGD: "Class C0"). In summary, the available evidence is currently insufficient to determine the role of this variant in disease. Therefore, it has been classified as a Variant of Uncertain Significance.

NM_033026.6(PCLO):c.12869G>C (p.Arg4290Thr)

Gene: PCLO (piccolo presynaptic cytomatrix protein; minus strand). Cytogenetic location: 7q21.11.
Variant type: single nucleotide variant.
Coding change: c.12869G>C on transcript NM_033026.6 (MANE Select); coding-DNA position 12869, G replaced by C.
Protein change: p.Arg4290Thr; replaces arginine 4290 with threonine.
Molecular consequence: missense variant.
Genome position (GRCh38, 1-based): chr7:82,915,117, C>G on the plus strand (G>C on the coding strand, the complement: PCLO is on the minus strand). VCF-style: chr7-82915117-C-G. GRCh37 (hg19) VCF-style: chr7-82544433-C-G.
Other names: c.12869G>C, p.Arg4290Thr (NM_014510.3); short protein forms R4290T.
Identifiers: ClinVar variation 1515097 (VCV001515097.3), dbSNP rs1794411878, ClinGen allele CA367885444.
Genomic context (GRCh38, chr7:82,915,117, plus strand): 5'-GAAGAATCCCTTTTAATTGATAAATCAAGCCCATAGACAGAGGAAGGTCTGGAGGAAGGT[C>G]TGGACCTGCTGCCACTACTGTATGGCTTATCCGCTTCATCCTGCAGAGCTGAGCGTATGG-3'
Protein context (NP_149015.2, residues 4280-4300): DKPYSSGSRS[Arg4290Thr]PSSRPSSVYG